The following is an entry in ClinVar:

ClinVar aggregate classification (germline): Uncertain significance (1 of 4 stars; one submission).

Allele frequency attached by ClinVar (database versions not stated): gnomAD exomes below 0.00001.
gnomAD v4.1: 1 of 1,614,114 alleles (0.000062%); highest among the groups gnomAD compares: Non-Finnish European, 0.000085%; no homozygotes.

Submission:

CeGaT Center for Human Genetics Tuebingen
Classification: Uncertain significance. Last evaluated: 2022-08-01. Review status: criteria provided, single submitter. Criteria: CeGaT Center For Human Genetics Tuebingen Variant Classification Criteria Version 2. Collection method: clinical testing. Allele origin: germline. Affected: yes. Observed: 1 variant allele.
Comment: TG: PM2, BP4

NM_003235.5(TG):c.4474C>T (p.Pro1492Ser)

Gene: TG (thyroglobulin; plus strand). Cytogenetic location: 8q24.22.
Variant type: single nucleotide variant.
Coding change: c.4474C>T on transcript NM_003235.5 (MANE Select); coding-DNA position 4474, C replaced by T.
Protein change: p.Pro1492Ser; replaces proline 1492 with serine.
Molecular consequence: missense variant.
Genome position (GRCh38, 1-based): chr8:132,919,471, C>T. VCF-style: chr8-132919471-C-T. GRCh37 (hg19) VCF-style: chr8-133931716-C-T.
Other names: short protein forms P1492S.
Identifiers: ClinVar variation 2658835 (VCV002658835.24), dbSNP rs2490313934, ClinGen allele CA372247614.